The following is an entry in ClinVar:

ClinVar aggregate classification (germline): Likely benign. Review status: criteria provided, single submitter (1 of 4 stars). 3 submissions from 3 submitters: Likely benign (1). 2 of the submissions do not count toward it. Last evaluated 2025-08-21.

Conditions:
NPHS1-related disorder. Also called: NPHS1-related condition.
Finnish congenital nephrotic syndrome (NPHS1). Also called: NEPHROTIC SYNDROME, TYPE 1. Identifiers: Orphanet 839, MedGen C0403399, MONDO:0009732, OMIM 256300.

Allele frequency attached by ClinVar (database versions not stated): gnomAD 0.00006; TOPMed 0.00008.

Submissions (3):

Labcorp Genetics (formerly Invitae), Labcorp
Classification: Likely benign. Last evaluated: 2025-08-21. Review status: criteria provided, single submitter. Criteria: Invitae Variant Classification Sherloc (09022015). Collection method: clinical testing. Allele origin: germline.

Natera, Inc.
Classification: Uncertain significance for Finnish congenital nephrotic syndrome. Last evaluated: 2020-01-24. Review status: no assertion criteria provided. Collection method: clinical testing. Allele origin: germline. Not counted in ClinVar's aggregate classification.

PreventionGenetics, part of Exact Sciences
Classification: Likely benign for NPHS1-related condition. Last evaluated: 2019-06-27. Review status: no assertion criteria provided. Collection method: clinical testing. Allele origin: germline. Not counted in ClinVar's aggregate classification.
Comment: This variant is classified as likely benign based on ACMG/AMP sequence variant interpretation guidelines (Richards et al. 2015 PMID: 25741868, with internal and published modifications).

NM_004646.4(NPHS1):c.1725G>T (p.Pro575=)

Gene: NPHS1 (NPHS1 adhesion molecule, nephrin; minus strand). Cytogenetic location: 19q13.12.
Variant type: single nucleotide variant.
Coding change: c.1725G>T on transcript NM_004646.4 (MANE Select); coding-DNA position 1725, G replaced by T.
Protein change: p.Pro575=; no amino-acid change (proline 575 retained).
Molecular consequence: synonymous variant.
Genome position (GRCh38, 1-based): chr19:35,845,701, C>A on the plus strand (G>T on the coding strand, the complement: NPHS1 is on the minus strand). VCF-style: chr19-35845701-C-A. GRCh37 (hg19) VCF-style: chr19-36336603-C-A.
Identifiers: ClinVar variation 744870 (VCV000744870.13), dbSNP rs140859903, ClinGen allele CA9390356.